The following is an entry in ClinVar:

ClinVar aggregate classification (germline): Uncertain significance (1 of 4 stars; one submission).

gnomAD v4.1: 3 of 1,612,568 alleles (0.00019%); no homozygotes.

Submission:

Labcorp Genetics (formerly Invitae), Labcorp
Classification: Uncertain significance. Last evaluated: 2022-11-07. Review status: criteria provided, single submitter. Criteria: Invitae Variant Classification Sherloc (09022015). Collection method: clinical testing. Allele origin: germline.
Comment: This sequence change replaces leucine, which is neutral and non-polar, with valine, which is neutral and non-polar, at codon 341 of the KIF11 protein (p.Leu341Val). In summary, the available evidence is currently insufficient to determine the role of this variant in disease. Therefore, it has been classified as a Variant of Uncertain Significance. Advanced modeling of protein sequence and biophysical properties (such as structural, functional, and spatial information, amino acid conservation, physicochemical variation, residue mobility, and thermodynamic stability) performed at Invitae indicates that this missense variant is not expected to disrupt KIF11 protein function. This variant has not been reported in the literature in individuals affected with KIF11-related conditions. This variant is not present in population databases (gnomAD no frequency).

NM_004523.4(KIF11):c.1021C>G (p.Leu341Val)

Gene: KIF11 (kinesin family member 11; plus strand). Cytogenetic location: 10q23.33.
Variant type: single nucleotide variant.
Coding change: c.1021C>G on transcript NM_004523.4 (MANE Select); coding-DNA position 1021, C replaced by G.
Protein change: p.Leu341Val; replaces leucine 341 with valine.
Molecular consequence: missense variant.
Genome position (GRCh38, 1-based): chr10:92,613,608, C>G. VCF-style: chr10-92613608-C-G. GRCh37 (hg19) VCF-style: chr10-94373365-C-G.
Other names: short protein forms L341V.
Identifiers: ClinVar variation 2812537 (VCV002812537.3), dbSNP rs2492490422, ClinGen allele CA377590671.